The following is an entry in ClinVar:

NM_020366.4(RPGRIP1):c.340T>C (p.Ser114Pro)

Gene: RPGRIP1 (RPGR interacting protein 1; plus strand). Cytogenetic location: 14q11.2.
Variant type: single nucleotide variant.
Coding change: c.340T>C on transcript NM_020366.4 (MANE Select); coding-DNA position 340, T replaced by C.
Protein change: p.Ser114Pro; replaces serine 114 with proline.
Molecular consequence: missense variant.
Genome position (GRCh38, 1-based): chr14:21,301,087, T>C. VCF-style: chr14-21301087-T-C. GRCh37 (hg19) VCF-style: chr14-21769246-T-C.
Other names: short protein forms S114P.
Identifiers: ClinVar variation 1513639 (VCV001513639.8), dbSNP rs1192070874, ClinGen allele CA388858853.

ClinVar aggregate classification (germline): Uncertain significance. Review status: criteria provided, multiple submitters, no conflicts (2 of 4 stars). 3 submissions from 3 submitters: Uncertain significance (2). 1 of the submissions does not count toward it. Last evaluated 2025-03-04.

Conditions:
Retinal dystrophy. Also called: Inherited retinal dystrophy. Identifiers: Orphanet 71862, MedGen C0854723, MeSH D058499, MONDO:0019118, HP:0000556.
Cone-rod dystrophy 13 (CORD13). Identifiers: Orphanet 1872, MedGen C2750720, MONDO:0011987, OMIM 608194.
Leber congenital amaurosis 6 (LCA6). Identifiers: Orphanet 65, MedGen C1854260, MONDO:0013446, OMIM 613826.

Allele frequency attached by ClinVar (database versions not stated): gnomAD exomes below 0.00001; TOPMed below 0.00001.

Submissions (3):

Labcorp Genetics (formerly Invitae), Labcorp
Classification: Uncertain significance for Leber congenital amaurosis 6; Cone-rod dystrophy 13. Last evaluated: 2025-03-04. Review status: criteria provided, single submitter. Criteria: Invitae Variant Classification Sherloc (09022015). Collection method: clinical testing. Allele origin: germline.
Comment: This sequence change replaces serine, which is neutral and polar, with proline, which is neutral and non-polar, at codon 114 of the RPGRIP1 protein (p.Ser114Pro). This variant is not present in population databases (gnomAD no frequency). This variant has not been reported in the literature in individuals affected with RPGRIP1-related conditions. ClinVar contains an entry for this variant (Variation ID: 1513639). Invitae Evidence Modeling of protein sequence and biophysical properties (such as structural, functional, and spatial information, amino acid conservation, physicochemical variation, residue mobility, and thermodynamic stability) indicates that this missense variant is not expected to disrupt RPGRIP1 protein function with a negative predictive value of 80%. In summary, the available evidence is currently insufficient to determine the role of this variant in disease. Therefore, it has been classified as a Variant of Uncertain Significance.

Blueprint Genetics
Classification: Uncertain significance. Last evaluated: 2017-08-24. Review status: criteria provided, single submitter. Criteria: ACMG Guidelines, 2015. Collection method: clinical testing. Allele origin: germline.

Institute of Human Genetics, Univ. Regensburg, Univ. Regensburg
Classification: Uncertain significance for Retinal dystrophy. Last evaluated: 2023-01-01. Review status: no assertion criteria provided. Criteria: ACMG Guidelines, 2015. Collection method: clinical testing. Allele origin: germline. Affected: yes. Not counted in ClinVar's aggregate classification.